The following is an entry in ClinVar:

ClinVar aggregate classification (germline): Uncertain significance (1 of 4 stars; one submission).

Conditions:
Tuberous sclerosis 2 (TSC2). Identifiers: Orphanet 805, MedGen C1860707, MONDO:0013199, OMIM 613254.

Submission:

Labcorp Genetics (formerly Invitae), Labcorp
Classification: Uncertain significance for Tuberous sclerosis 2. Last evaluated: 2022-11-14. Review status: criteria provided, single submitter. Criteria: Invitae Variant Classification Sherloc (09022015). Collection method: clinical testing. Allele origin: germline.
Comment: This sequence change replaces arginine, which is basic and polar, with glycine, which is neutral and non-polar, at codon 1753 of the TSC2 protein (p.Arg1753Gly). This variant is not present in population databases (gnomAD no frequency). This variant has not been reported in the literature in individuals affected with TSC2-related conditions. Algorithms developed to predict the effect of missense changes on protein structure and function are either unavailable or do not agree on the potential impact of this missense change (SIFT: "Deleterious"; PolyPhen-2: "Benign"; Align-GVGD: "Class C0"). In summary, the available evidence is currently insufficient to determine the role of this variant in disease. Therefore, it has been classified as a Variant of Uncertain Significance.

NM_000548.5(TSC2):c.5257C>G (p.Arg1753Gly)

Gene: TSC2 (TSC complex subunit 2; plus strand). Cytogenetic location: 16p13.3.
Variant type: single nucleotide variant.
Coding change: c.5257C>G on transcript NM_000548.5 (MANE Select); coding-DNA position 5257, C replaced by G.
Protein change: p.Arg1753Gly; replaces arginine 1753 with glycine.
Molecular consequence: missense variant. On other transcripts: non-coding transcript variant (5).
Genome position (GRCh38, 1-based): chr16:2,088,323, C>G. VCF-style: chr16-2088323-C-G. GRCh37 (hg19) VCF-style: chr16-2138324-C-G.
Other names: c.5056C>G, p.Arg1686Gly (NM_001077183.3); c.5188C>G, p.Arg1730Gly (NM_001114382.3); c.4948C>G, p.Arg1650Gly (NM_001318827.2); c.4912C>G, p.Arg1638Gly (NM_001318829.2); c.4525C>G, p.Arg1509Gly (NM_001318831.2); c.5089C>G, p.Arg1697Gly (NM_001318832.2); c.5059C>G, p.Arg1687Gly (NM_001363528.2); c.5125C>G, p.Arg1709Gly (NM_001370404.1); and 27 more; short protein forms R1261G, R1282G, R1486G, R1529G, R1530G, R1649G, R1650G, R1681G.
Identifiers: ClinVar variation 2814113 (VCV002814113.3), dbSNP rs756358402, ClinGen allele CA394314811.